The following is an entry in ClinVar:

NM_019074.4(DLL4):c.1429G>T (p.Val477Leu)

Gene: DLL4 (delta like canonical Notch ligand 4; plus strand). Cytogenetic location: 15q15.1.
Variant type: single nucleotide variant.
Coding change: c.1429G>T on transcript NM_019074.4 (MANE Select); coding-DNA position 1429, G replaced by T.
Protein change: p.Val477Leu; replaces valine 477 with leucine.
Molecular consequence: missense variant.
Genome position (GRCh38, 1-based): chr15:40,936,416, G>T. VCF-style: chr15-40936416-G-T. GRCh37 (hg19) VCF-style: chr15-41228614-G-T.
Other names: short protein forms V477L.
Identifiers: ClinVar variation 2575222 (VCV002575222.2), dbSNP rs759324100, ClinGen allele CA7487935.

ClinVar aggregate classification (germline): Uncertain significance (1 of 4 stars; one submission).

Conditions:
Adams-Oliver syndrome 6 (AOS6). Identifiers: Orphanet 974, MedGen C4225271, MONDO:0014703, OMIM 616589.

Allele frequency attached by ClinVar (database versions not stated): ExAC 0.00001.

Submission:

Johns Hopkins Genomics, Johns Hopkins University
Classification: Uncertain significance for Adams-Oliver syndrome 6. Last evaluated: 2023-07-07. Review status: criteria provided, single submitter. Criteria: ACMG Guidelines, 2015. Collection method: clinical testing. Allele origin: germline.
Comment: This DLL4 missense variant (rs759324100) is absent from a large population dataset and has not been reported in ClinVar nor the literature, to our knowledge. Two bioinformatic tools queried predict that this substitution would be tolerated. The valine residue at this position is evolutionarily conserved across most mammalian species assessed; however a leucine residue is present at this position in three species. We consider the clinical significance of DLL4 c.1429G>T to be uncertain at this time.